The following is an entry in ClinVar:

ClinVar aggregate classification (germline): Pathogenic (1 of 4 stars; one submission).

Submission:

Labcorp Genetics (formerly Invitae), Labcorp
Classification: Pathogenic. Last evaluated: 2023-06-04. Review status: criteria provided, single submitter. Criteria: Invitae Variant Classification Sherloc (09022015). Collection method: clinical testing. Allele origin: unknown.
Comment: For these reasons, this variant has been classified as Pathogenic. This variant disrupts a region of the COL11A1 protein in which other variant(s) (p.Gly868Asp) have been determined to be pathogenic (Invitae). This suggests that this is a clinically significant region of the protein, and that variants that disrupt it are likely to be disease-causing. This variant has not been reported in the literature in individuals affected with COL11A1-related conditions. This variant results in the deletion of exon 32 and part of exon 33 (c.2556+910_2640del) of the COL11A1 gene. It is expected to disrupt RNA splicing. Variants that disrupt the donor or acceptor splice site typically lead to a loss of protein function (PMID: 16199547), and loss-of-function variants in COL11A1 are known to be pathogenic (PMID: 20513134, 21035103, 23922384, 25240749, 32427345, 32756486).

Literature cited by the submitters: PubMed 16199547; PubMed 20513134; PubMed 21035103; PubMed 23922384; PubMed 25240749; PubMed 32427345; PubMed 32756486.

NC_000001.10:g.(?_103444631)_(103448784_?)del

Gene: COL11A1 (collagen type XI alpha 1 chain; minus strand). Cytogenetic location: 1p21.1.
Variant type: Deletion.
Identifiers: ClinVar variation 3247932 (VCV003247932.1).